The following is an entry in ClinVar:

NM_030957.4(ADAMTS10):c.506G>A (p.Arg169Gln)

Gene: ADAMTS10 (ADAM metallopeptidase with thrombospondin type 1 motif 10; minus strand). Cytogenetic location: 19p13.2.
Variant type: single nucleotide variant.
Coding change: c.506G>A on transcript NM_030957.4 (MANE Select); coding-DNA position 506, G replaced by A.
Protein change: p.Arg169Gln; replaces arginine 169 with glutamine.
Molecular consequence: missense variant.
Genome position (GRCh38, 1-based): chr19:8,603,814, C>T on the plus strand (G>A on the coding strand, the complement: ADAMTS10 is on the minus strand). VCF-style: chr19-8603814-C-T. GRCh37 (hg19) VCF-style: chr19-8668698-C-T.
Other names: short protein forms R169Q.
Identifiers: ClinVar variation 894315 (VCV000894315.11), dbSNP rs151257275, ClinGen allele CA9160813.

ClinVar aggregate classification (germline): Conflicting classifications of pathogenicity. Review status: criteria provided, conflicting classifications (1 of 4 stars). 6 submissions from 6 submitters: Uncertain significance (3); Likely benign (1). 2 of the submissions do not count toward it. Last evaluated 2024-11-12.

Conditions:
Inborn genetic diseases. Identifiers: MedGen C0950123, MeSH D030342.
Weill-Marchesani syndrome. Also called: WM Syndrome; Mesodermal dysmorphodystrophy congenital. Identifiers: Orphanet 3449, MedGen C0265313, MONDO:0018096.

Allele frequency attached by ClinVar (database versions not stated): gnomAD exomes 0.00024 and 0.00040; ExAC 0.00028; ESP Exome Variant Server 0.00038; gnomAD 0.00052 and 0.00053; 1000 Genomes Project 0.00060; TOPMed 0.00060; 1000 Genomes Project 30x 0.00062.
gnomAD v4.1: 452 of 1,614,050 alleles (0.028%); highest among the groups gnomAD compares: Middle Eastern, 0.15%; 1 homozygote.

Submissions (6):

Blueprint Genetics
Classification: Likely benign. Last evaluated: 2024-11-12. Review status: criteria provided, single submitter. Criteria: ACMG Guidelines, 2015. Collection method: clinical testing. Allele origin: germline.

Labcorp Genetics (formerly Invitae), Labcorp
Classification: Uncertain significance. Last evaluated: 2022-10-17. Review status: criteria provided, single submitter. Criteria: Invitae Variant Classification Sherloc (09022015). Collection method: clinical testing. Allele origin: germline.
Comment: This sequence change replaces arginine, which is basic and polar, with glutamine, which is neutral and polar, at codon 169 of the ADAMTS10 protein (p.Arg169Gln). This variant is present in population databases (rs151257275, gnomAD 0.1%). This variant has not been reported in the literature in individuals affected with ADAMTS10-related conditions. ClinVar contains an entry for this variant (Variation ID: 894315). Algorithms developed to predict the effect of missense changes on protein structure and function output the following: SIFT: "Tolerated"; PolyPhen-2: "Benign"; Align-GVGD: "Class C0". The glutamine amino acid residue is found in multiple mammalian species, which suggests that this missense change does not adversely affect protein function. In summary, the available evidence is currently insufficient to determine the role of this variant in disease. Therefore, it has been classified as a Variant of Uncertain Significance.

Ambry Genetics
Classification: Uncertain significance for Inborn genetic diseases. Last evaluated: 2021-09-14. Review status: criteria provided, single submitter. Criteria: Ambry Variant Classification Scheme 2023. Collection method: clinical testing. Allele origin: germline.

Illumina Laboratory Services, Illumina
Classification: Uncertain significance for Weill-Marchesani syndrome. Last evaluated: 2018-01-12. Review status: criteria provided, single submitter. Criteria: ICSL Variant Classification Criteria 13 December 2019. Collection method: clinical testing. Allele origin: germline.

Clinical Genetics DNA and cytogenetics Diagnostics Lab, Erasmus MC, Erasmus Medical Center
Classification: Likely benign. Review status: no assertion criteria provided. Collection method: clinical testing. Allele origin: germline. Affected: yes. Study: VKGL Data-share Consensus. Not counted in ClinVar's aggregate classification.

Laboratory of Diagnostic Genome Analysis, Leiden University Medical Center (LUMC)
Classification: Likely benign. Review status: no assertion criteria provided. Collection method: clinical testing. Allele origin: germline. Affected: yes. Study: VKGL Data-share Consensus. Not counted in ClinVar's aggregate classification.